The following is an entry in ClinVar:

ClinVar aggregate classification (germline): Uncertain significance. Review status: criteria provided, multiple submitters, no conflicts (2 of 4 stars). 2 submissions from 2 submitters: Uncertain significance (2). Last evaluated 2025-03-19.

Conditions:
Progressive myoclonic epilepsy type 8. Identifiers: Orphanet 424027, MedGen C5190825, MONDO:0014545, OMIM 616230.

Allele frequency attached by ClinVar (database versions not stated): gnomAD 0.00001.

Submissions (2):

Ambry Genetics
Classification: Uncertain significance. Last evaluated: 2025-03-19. Review status: criteria provided, single submitter. Criteria: Ambry Variant Classification Scheme 2023. Collection method: clinical testing. Allele origin: germline.

Labcorp Genetics (formerly Invitae), Labcorp
Classification: Uncertain significance for Progressive myoclonic epilepsy type 8. Last evaluated: 2022-08-15. Review status: criteria provided, single submitter. Criteria: Invitae Variant Classification Sherloc (09022015). Collection method: clinical testing. Allele origin: germline.
Comment: In summary, the available evidence is currently insufficient to determine the role of this variant in disease. Therefore, it has been classified as a Variant of Uncertain Significance. Algorithms developed to predict the effect of missense changes on protein structure and function (SIFT, PolyPhen-2, Align-GVGD) all suggest that this variant is likely to be tolerated. ClinVar contains an entry for this variant (Variation ID: 1463567). This variant has not been reported in the literature in individuals affected with CERS1-related conditions. The frequency data for this variant in the population databases is considered unreliable, as metrics indicate insufficient coverage at this position in the gnomAD database. This sequence change replaces valine, which is neutral and non-polar, with alanine, which is neutral and non-polar, at codon 23 of the CERS1 protein (p.Val23Ala).

NM_021267.5(CERS1):c.68T>C (p.Val23Ala)

Genes: CERS1 (ceramide synthase 1; minus strand), GDF1 (growth differentiation factor 1; minus strand). Cytogenetic location: 19p13.11.
Variant type: single nucleotide variant.
Coding change: c.68T>C on transcript NM_021267.5 (MANE Select); coding-DNA position 68, T replaced by C.
Protein change: p.Val23Ala; replaces valine 23 with alanine.
Molecular consequence: missense variant. On other transcripts: 5 prime UTR variant (4), intron variant (3).
Genome position (GRCh38, 1-based): chr19:18,896,005, A>G on the plus strand (T>C on the coding strand, the complement: CERS1 is on the minus strand). VCF-style: chr19-18896005-A-G. GRCh37 (hg19) VCF-style: chr19-19006814-A-G.
Other names: c.68T>C, p.Val23Ala (NM_001387439.1, NM_001387440.1, NM_001387441.1 and 1 more transcripts); c.-461T>C (NM_001387444.1); c.-408T>C (NM_001387445.1); c.-835T>C (NM_001387438.1); c.-1255T>C (NM_001492.6); c.-46+721T>C (NM_001387443.1); c.-46+556T>C (NM_001387442.1, NM_001290265.2); c.68T>C (NM_021267.3); short protein forms V23A.
Identifiers: ClinVar variation 1463567 (VCV001463567.9), dbSNP rs1359065344, ClinGen allele CA404868765.